The following is an entry in ClinVar:

NM_004415.4(DSP):c.4609C>A (p.Arg1537Ser)

Gene: DSP (desmoplakin; plus strand). Cytogenetic location: 6p24.3.
Variant type: single nucleotide variant.
Coding change: c.4609C>A on transcript NM_004415.4 (MANE Select); coding-DNA position 4609, C replaced by A.
Protein change: p.Arg1537Ser; replaces arginine 1537 with serine.
Molecular consequence: missense variant. On other transcripts: intron variant (2).
Genome position (GRCh38, 1-based): chr6:7,580,799, C>A. VCF-style: chr6-7580799-C-A. GRCh37 (hg19) VCF-style: chr6-7581032-C-A.
Other names: c.4050+559C>A (NM_001319034.2); c.3582+1027C>A (NM_001008844.3); short protein forms R1537S.
Identifiers: ClinVar variation 2447302 (VCV002447302.2), dbSNP rs28763967, ClinGen allele CA362686742.

ClinVar aggregate classification (germline): Uncertain significance (1 of 4 stars; one submission).

Conditions:
Cardiovascular phenotype. Identifiers: MedGen CN230736.

gnomAD v4.1: 3 of 1,614,112 alleles (0.00019%); highest among the groups gnomAD compares: Non-Finnish European, 0.00025%; no homozygotes.

Submission:

Ambry Genetics
Classification: Uncertain significance for Cardiovascular phenotype. Last evaluated: 2022-11-21. Review status: criteria provided, single submitter. Criteria: Ambry Variant Classification Scheme 2023. Collection method: clinical testing. Allele origin: germline.
Comment: The p.R1537S variant (also known as c.4609C>A), located in coding exon 23 of the DSP gene, results from a C to A substitution at nucleotide position 4609. The arginine at codon 1537 is replaced by serine, an amino acid with dissimilar properties. This alteration has been reported in a sudden unexplained death in infancy cohort and a limb-girdle muscular dystrophy cohort (Hertz CL et al. Eur J Hum Genet, 2016 06;24:817-22; Fichna JP et al. Hum Genomics, 2018 07;12:34). This amino acid position is highly conserved in available vertebrate species. In addition, the in silico prediction for this alteration is inconclusive. Since supporting evidence is limited at this time, the clinical significance of this alteration remains unclear.

Literature cited by the submitters: PubMed 26350513; PubMed 29970176.